The following is an entry in ClinVar:

ClinVar aggregate classification (germline): Benign/Likely benign. Review status: criteria provided, multiple submitters, no conflicts (2 of 4 stars). 12 submissions from 10 submitters: Benign (8); Likely benign (3). 1 of the submissions does not count toward it. Last evaluated 2026-04-01.

Conditions:
Distal spinal muscular atrophy. Also called: Distal hereditary motor neuronopathy; Distal hereditary motor neuropathy. Identifiers: Orphanet 53739, MedGen C0393541, MONDO:0018894.
Charcot-Marie-Tooth disease type 2. Also called: Charcot-Marie-Tooth type 2. Identifiers: Orphanet 64746, MedGen C0270914, MONDO:0018993.
Charcot-Marie-Tooth disease type 2D (CMT2D). Also called: CHARCOT-MARIE-TOOTH DISEASE, AXONAL, TYPE 2D; GARS1 Adolescent- or Early Adult-Onset Hereditary Motor/Sensory Neuropathy (GARS1-HMSN); Charcot-Marie-Tooth Neuropathy Type 2D; CHARCOT-MARIE-TOOTH DISEASE, NEURONAL, TYPE 2D. Identifiers: Orphanet 99938, MedGen C1832274, MONDO:0011091, OMIM 601472.
Charcot-Marie-Tooth disease. Also called: Charcot-Marie-Tooth Neuropathy; Charcot-Marie-Tooth Hereditary Neuropathy. Identifiers: Orphanet 166, MedGen C0007959, MONDO:0015626.
Neuronopathy, distal hereditary motor, type 5A (HMND5). Also called: DHMN VA; NEURONOPATHY, DISTAL HEREDITARY MOTOR, AUTOSOMAL DOMINANT 5; Distal Spinal Muscular Atrophy V; Distal Spinal Muscular Atrophy V (dSMA-V). Identifiers: Orphanet 139536, MedGen CN031873, MONDO:0015353, OMIM 600794.

Allele frequency attached by ClinVar (database versions not stated): gnomAD exomes 0.00088 and 0.00219; ExAC 0.00258; ESP Exome Variant Server 0.00702; gnomAD 0.00784 and 0.00833; TOPMed 0.00841; 1000 Genomes Project 0.00978; 1000 Genomes Project 30x 0.01187.
gnomAD v4.1: 2,552 of 1,614,150 alleles (0.16%); highest among the groups gnomAD compares: African/African-American, 2.7%; 28 homozygotes.

Submissions (12):

CeGaT Center for Human Genetics Tuebingen
Classification: Benign. Last evaluated: 2026-04-01. Review status: criteria provided, single submitter. Criteria: CeGaT Center For Human Genetics Tuebingen Variant Classification Criteria Version 2. Collection method: clinical testing. Allele origin: germline. Affected: yes. Observed: 4 variant alleles.
Comment: GARS1: BP4, BS1, BS2

Labcorp Genetics (formerly Invitae), Labcorp
Classification: Benign for Charcot-Marie-Tooth disease type 2. Last evaluated: 2026-01-28. Review status: criteria provided, single submitter. Criteria: Invitae Variant Classification Sherloc (09022015). Collection method: clinical testing. Allele origin: germline.

Athena Diagnostics
Classification: Benign. Last evaluated: 2025-07-17. Review status: criteria provided, single submitter. Criteria: Athena Diagnostics Criteria. Collection method: clinical testing. Allele origin: unknown.
Comment: The frequency of this variant in the general population is higher than would generally be expected for pathogenic variants in this gene. Computational tools predict this amino acid change may be benign. This variant has been seen where an alternate explanation for disease was also identified.

ARUP Laboratories, Molecular Genetics and Genomics, ARUP Laboratories
Classification: Likely benign. Last evaluated: 2022-04-06. Review status: criteria provided, single submitter. Criteria: ARUP Molecular Germline Variant Investigation Process 2021. Collection method: clinical testing. Allele origin: germline.

Illumina Laboratory Services, Illumina
Classification: Benign for Charcot-Marie-Tooth disease type 2D. Last evaluated: 2018-01-13. Review status: criteria provided, single submitter. Criteria: ICSL Variant Classification Criteria 13 December 2019. Collection method: clinical testing. Allele origin: germline.
Comment: This variant was observed in the ICSL laboratory as part of a predisposition screen in an ostensibly healthy population. It had not been previously curated by ICSL or reported in the Human Gene Mutation Database (HGMD: prior to June 1st, 2018), and was therefore a candidate for classification through an automated scoring system. Utilizing variant allele frequency, disease prevalence and penetrance estimates, and inheritance mode, an automated score was calculated to assess if this variant is too frequent to cause the disease. Based on the score and internal cut-off values, a variant classified as benign is not then subjected to further curation. The score for this variant resulted in a classification of benign for this disease.

Illumina Laboratory Services, Illumina
Classification: Benign for Distal Spinal Muscular Atrophy. Last evaluated: 2018-01-13. Review status: criteria provided, single submitter. Criteria: ICSL Variant Classification Criteria 13 December 2019. Collection method: clinical testing. Allele origin: germline.
Comment: the same text as in the submission from Illumina Laboratory Services, Illumina above.

Illumina Laboratory Services, Illumina
Classification: Benign for Distal hereditary motor neuronopathy type 5. Last evaluated: 2018-01-13. Review status: criteria provided, single submitter. Criteria: ICSL Variant Classification Criteria 13 December 2019. Collection method: clinical testing. Allele origin: germline.
Comment: the same text as in the submission from Illumina Laboratory Services, Illumina above.

Center for Pediatric Genomic Medicine, Children's Mercy Hospital and Clinics
Classification: Likely benign. Last evaluated: 2017-04-05. Review status: criteria provided, single submitter. Criteria: ACMG Guidelines, 2015. Collection method: clinical testing. Allele origin: germline.

GeneDx
Classification: Benign. Last evaluated: 2015-07-17. Review status: criteria provided, single submitter. Criteria: GeneDx Variant Classification (06012015). Collection method: clinical testing. Allele origin: germline. Affected: yes.
Comment: This variant is considered likely benign or benign based on one or more of the following criteria: it is a conservative change, it occurs at a poorly conserved position in the protein, it is predicted to be benign by multiple in silico algorithms, and/or has population frequency not consistent with disease.

Breakthrough Genomics
Classification: Likely benign. Review status: criteria provided, single submitter. Criteria: ACMG Guidelines, 2015. Collection method: not provided. Allele origin: germline. Inheritance: Autosomal dominant inheritance. Affected: yes.

Molecular Genetics Laboratory, London Health Sciences Centre
Classification: Benign for Charcot-Marie-Tooth disease. Review status: criteria provided, single submitter. Criteria: ACMG Guidelines, 2015. Collection method: clinical testing. Allele origin: germline. Affected: yes.

Mayo Clinic Laboratories, Mayo Clinic
Classification: Benign. Last evaluated: 2017-10-31. Review status: no assertion criteria provided. Collection method: clinical testing. Allele origin: unknown. Not counted in ClinVar's aggregate classification.

NM_002047.4(GARS1):c.1163G>A (p.Arg388Gln)

Gene: GARS1 (glycyl-tRNA synthetase 1; plus strand). Cytogenetic location: 7p14.3.
Variant type: single nucleotide variant.
Coding change: c.1163G>A on transcript NM_002047.4 (MANE Select); coding-DNA position 1163, G replaced by A.
Protein change: p.Arg388Gln; replaces arginine 388 with glutamine.
Molecular consequence: missense variant.
Genome position (GRCh38, 1-based): chr7:30,616,027, G>A. VCF-style: chr7-30616027-G-A. GRCh37 (hg19) VCF-style: chr7-30655643-G-A.
Other names: c.1163G>A (LRG_243t1); c.1001G>A, p.Arg334Gln (NM_001316772.1); short protein forms R388Q, R334Q.
Identifiers: ClinVar variation 360012 (VCV000360012.45), dbSNP rs17159287, ClinGen allele CA4205905.